The following is an entry in ClinVar:

NM_005612.5(REST):c.90G>T (p.Met30Ile)

Gene: REST (RE1 silencing transcription factor; plus strand). Cytogenetic location: 4q12.
Variant type: single nucleotide variant.
Coding change: c.90G>T on transcript NM_005612.5 (MANE Select); coding-DNA position 90, G replaced by T.
Protein change: p.Met30Ile; replaces methionine 30 with isoleucine.
Molecular consequence: missense variant.
Genome position (GRCh38, 1-based): chr4:56,910,728, G>T. VCF-style: chr4-56910728-G-T. GRCh37 (hg19) VCF-style: chr4-57776894-G-T.
Other names: c.90G>T, p.Met30Ile (NM_001193508.2, NM_001363453.3); short protein forms M30I.
Identifiers: ClinVar variation 1494722 (VCV001494722.6), dbSNP rs2109522581, ClinGen allele CA357002620.
Genomic context (GRCh38, chr4:56,910,728, plus strand): 5'-TGGAGGAGGAGGGCTGTTTACCAGCAGTGGCAACATTGGAATGGCCCTGCCTAACGACAT[G>T]TATGACTTGCATGACCTTTCCAAAGCTGAACTGGCCGCACCTCAGCTTATTATGCTGGCA-3'
Protein context (NP_005603.3, residues 20-40): GNIGMALPND[Met30Ile]YDLHDLSKAE

ClinVar aggregate classification (germline): Uncertain significance (1 of 4 stars; one submission).

Submission:

Labcorp Genetics (formerly Invitae), Labcorp
Classification: Uncertain significance. Last evaluated: 2021-11-19. Review status: criteria provided, single submitter. Criteria: Invitae Variant Classification Sherloc (09022015). Collection method: clinical testing. Allele origin: germline.
Comment: This variant is not present in population databases (gnomAD no frequency). In summary, the available evidence is currently insufficient to determine the role of this variant in disease. Therefore, it has been classified as a Variant of Uncertain Significance. Algorithms developed to predict the effect of missense changes on protein structure and function are either unavailable or do not agree on the potential impact of this missense change (SIFT: "Deleterious"; PolyPhen-2: "Possibly Damaging"; Align-GVGD: "Class C0"). This variant has not been reported in the literature in individuals affected with REST-related conditions. This sequence change replaces methionine, which is neutral and non-polar, with isoleucine, which is neutral and non-polar, at codon 30 of the REST protein (p.Met30Ile).